The following is an entry in ClinVar:

NM_000051.4(ATM):c.8084G>A (p.Gly2695Asp)

Genes: ATM (ATM serine/threonine kinase; plus strand), C11orf65 (chromosome 11 open reading frame 65; minus strand). Cytogenetic location: 11q22.3.
Variant type: single nucleotide variant.
Coding change: c.8084G>A on transcript NM_000051.4 (MANE Select); coding-DNA position 8084, G replaced by A.
Protein change: p.Gly2695Asp; replaces glycine 2695 with aspartic acid.
Molecular consequence: missense variant. On other transcripts: intron variant (2).
Genome position (GRCh38, 1-based): chr11:108,335,042, G>A. VCF-style: chr11-108335042-G-A. GRCh37 (hg19) VCF-style: chr11-108205769-G-A.
Other names: c.8084G>A, p.Gly2695Asp (NM_001351834.2); c.641-25971C>T (NM_001330368.2); c.*38+178C>T (NM_001351110.2); short protein forms G2695D.
Identifiers: ClinVar variation 407686 (VCV000407686.35), dbSNP rs1060501680, ClinGen allele CA16613445.
Genomic context (GRCh38, chr11:108,335,042, plus strand): 5'-GAGAATATGGAAATCTGGTGACTATACAGTCATTTAAAGCAGAATTTCGCTTAGCAGGAG[G>A]TGTAAATTTACCAAAAATAATAGATTGTGTAGGTTCCGATGGCAAGGAGAGGAGACAGCT-3'
Protein context (NP_000042.3, residues 2685-2705): SFKAEFRLAG[Gly2695Asp]VNLPKIIDCV

ClinVar aggregate classification (germline): Uncertain significance. Review status: criteria provided, multiple submitters, no conflicts (2 of 4 stars). 3 submissions from 3 submitters: Uncertain significance (3). Last evaluated 2025-09-19.

Conditions:
Hereditary cancer-predisposing syndrome. Also called: Neoplastic Syndromes, Hereditary; Hereditary Cancer Syndrome; Tumor predisposition; Hereditary neoplastic syndrome. Identifiers: Orphanet 140162, MedGen C0027672, MeSH D009386, MONDO:0015356.
Ataxia-telangiectasia syndrome (AT). Also called: LOUIS-BAR SYNDROME; Cerebello-oculocutaneous telangiectasia; Immunodeficiency with ataxia telangiectasia; Ataxia-telangiectasia, complementation group D; AT, COMPLEMENTATION GROUP C; Ataxia-telangiectasia, complementation group E. Identifiers: Orphanet 100, MedGen C0004135, MONDO:0008840, OMIM 208900.

Submissions (3):

Labcorp Genetics (formerly Invitae), Labcorp
Classification: Uncertain significance for Ataxia-telangiectasia syndrome. Last evaluated: 2025-09-19. Review status: criteria provided, single submitter. Criteria: Invitae Variant Classification Sherloc (09022015). Collection method: clinical testing. Allele origin: germline.
Comment: This sequence change replaces glycine, which is neutral and non-polar, with aspartic acid, which is acidic and polar, at codon 2695 of the ATM protein (p.Gly2695Asp). This variant is not present in population databases (gnomAD no frequency). This variant has not been reported in the literature in individuals affected with ATM-related conditions. ClinVar contains an entry for this variant (Variation ID: 407686). Invitae Evidence Modeling of protein sequence and biophysical properties (such as structural, functional, and spatial information, amino acid conservation, physicochemical variation, residue mobility, and thermodynamic stability) indicates that this missense variant is expected to disrupt ATM protein function with a positive predictive value of 95%. In summary, the available evidence is currently insufficient to determine the role of this variant in disease. Therefore, it has been classified as a Variant of Uncertain Significance.

CeGaT Center for Human Genetics Tuebingen
Classification: Uncertain significance. Last evaluated: 2023-08-01. Review status: criteria provided, single submitter. Criteria: CeGaT Center For Human Genetics Tuebingen Variant Classification Criteria Version 2. Collection method: clinical testing. Allele origin: germline. Affected: yes. Observed: 1 variant allele.
Comment: ATM: PM2

Ambry Genetics
Classification: Uncertain significance for Hereditary cancer-predisposing syndrome. Last evaluated: 2020-12-11. Review status: criteria provided, single submitter. Criteria: Ambry Variant Classification Scheme 2023. Collection method: clinical testing. Allele origin: germline.
Comment: The p.G2695D variant (also known as c.8084G>A), located in coding exon 54 of the ATM gene, results from a G to A substitution at nucleotide position 8084. The glycine at codon 2695 is replaced by aspartic acid, an amino acid with similar properties. This amino acid position is highly conserved in available vertebrate species. In addition, this alteration is predicted to be deleterious by in silico analysis. Since supporting evidence is limited at this time, the clinical significance of this alteration remains unclear.